The following is an entry in ClinVar:

NM_015214.3(DDHD2):c.815G>A (p.Trp272Ter)

Gene: DDHD2 (DDHD domain containing 2; plus strand). Cytogenetic location: 8p11.23.
Variant type: single nucleotide variant.
Coding change: c.815G>A on transcript NM_015214.3 (MANE Select); coding-DNA position 815, G replaced by A.
Protein change: p.Trp272Ter; replaces tryptophan 272 with a stop codon.
Molecular consequence: nonsense. On other transcripts: non-coding transcript variant (2).
Genome position (GRCh38, 1-based): chr8:38,242,352, G>A. VCF-style: chr8-38242352-G-A. GRCh37 (hg19) VCF-style: chr8-38099870-G-A.
Other names: c.815G>A, p.Trp272Ter (NM_001164232.2, NM_001362911.2, NM_001362912.2 and 1 more transcripts); c.725G>A, p.Trp242Ter (NM_001362913.2); short protein forms W242*, W272*.
Identifiers: ClinVar variation 2202619 (VCV002202619.4), dbSNP rs1805323000, ClinGen allele CA370718486.
Genomic context (GRCh38, chr8:38,242,352, plus strand): 5'-ATTTTAAGAAAGCCCAAGAAAATCAGCAGATTGGGAGGGTAGAATTTCTTCCAGTCAACT[G>A]GCACAGTCCTTTGCATTCTACTGGTGTGGATGTGTGAGTAATACTTAATACCTTCGAGTT-3'

ClinVar aggregate classification (germline): Pathogenic (1 of 4 stars; one submission).

Conditions:
Hereditary spastic paraplegia 54. Also called: Spastic paraplegia 54, autosomal recessive. Identifiers: Orphanet 320380, MedGen C3539495, MONDO:0014018, OMIM 615033.

gnomAD v4.1: 1 of 1,610,988 alleles (0.000062%); highest among the groups gnomAD compares: Non-Finnish European, 0.000085%; no homozygotes.

Submission:

Labcorp Genetics (formerly Invitae), Labcorp
Classification: Pathogenic for Hereditary spastic paraplegia 54. Last evaluated: 2024-10-25. Review status: criteria provided, single submitter. Criteria: Invitae Variant Classification Sherloc (09022015). Collection method: clinical testing. Allele origin: germline.
Comment: This sequence change creates a premature translational stop signal (p.Trp272*) in the DDHD2 gene. It is expected to result in an absent or disrupted protein product. Loss-of-function variants in DDHD2 are known to be pathogenic (PMID: 23176823, 23486545). This variant is not present in population databases (gnomAD no frequency). This variant has not been reported in the literature in individuals affected with DDHD2-related conditions. ClinVar contains an entry for this variant (Variation ID: 2202619). Algorithms developed to predict the effect of sequence changes on RNA splicing suggest that this variant may disrupt the consensus splice site. For these reasons, this variant has been classified as Pathogenic.

Literature cited by the submitters: PubMed 23176823; PubMed 23486545.